The following is an entry in ClinVar:

ClinVar aggregate classification (germline): Likely benign. Review status: criteria provided, multiple submitters, no conflicts (2 of 4 stars). 3 submissions from 3 submitters: Likely benign (3). Last evaluated 2026-04-04.

Conditions:
Capillary malformation-arteriovenous malformation syndrome. Also called: Capillary malformation-arteriovenous malformation. Identifiers: Orphanet 137667, MedGen C1842180, MONDO:0012016.
RASA1-related disorder. Also called: RASA1-related condition.

Allele frequency attached by ClinVar (database versions not stated): TOPMed below 0.00001; gnomAD 0.00001.
gnomAD v4.1: 1 of 1,599,374 alleles (0.000063%); highest among the groups gnomAD compares: Non-Finnish European, 0.000085%; no homozygotes.

Submissions (3):

PreventionGenetics, part of Exact Sciences
Classification: Likely benign for RASA1-related condition. Last evaluated: 2026-04-04. Review status: criteria provided, single submitter. Criteria: ACMG Guidelines, 2015. Collection method: clinical testing. Allele origin: germline.
Comment: This variant is classified as likely benign based on ACMG/AMP sequence variant interpretation guidelines (Richards et al. 2015 PMID: 25741868, with internal and published modifications).

Blueprint Genetics
Classification: Likely benign. Last evaluated: 2024-07-02. Review status: criteria provided, single submitter. Criteria: ACMG Guidelines, 2015. Collection method: clinical testing. Allele origin: germline.

Labcorp Genetics (formerly Invitae), Labcorp
Classification: Likely benign for Capillary malformation-arteriovenous malformation syndrome. Last evaluated: 2023-07-18. Review status: criteria provided, single submitter. Criteria: Invitae Variant Classification Sherloc (09022015). Collection method: clinical testing. Allele origin: germline.

NM_002890.3(RASA1):c.1857C>T (p.Tyr619=)

Genes: CCNH (cyclin H; minus strand), RASA1 (RAS p21 protein activator 1; plus strand). Cytogenetic location: 5q14.3.
Variant type: single nucleotide variant.
Coding change: c.1857C>T on transcript NM_002890.3 (MANE Select); coding-DNA position 1857, C replaced by T.
Protein change: p.Tyr619=; no amino-acid change (tyrosine 619 retained).
Molecular consequence: synonymous variant. On other transcripts: intron variant (1).
Genome position (GRCh38, 1-based): chr5:87,374,243, C>T. VCF-style: chr5-87374243-C-T. GRCh37 (hg19) VCF-style: chr5-86670060-C-T.
Other names: c.1326C>T, p.Tyr442= (NM_022650.3); c.933+20801G>A (NM_001364075.2).
Identifiers: ClinVar variation 2879557 (VCV002879557.5), dbSNP rs1292336078, ClinGen allele CA445197945.